The following is an entry in ClinVar:

ClinVar aggregate classification (germline): Uncertain significance (1 of 4 stars; one submission).

Conditions:
Diabetes mellitus type 1 (T1D). Also called: Type I diabetes mellitus; Diabetes Mellitus, Juvenile-Onset. Identifiers: MedGen C0011854, MONDO:0005147, OMIM 222100, HP:0100651.

gnomAD v4.1: 11 of 1,608,274 alleles (0.00068%); highest among the groups gnomAD compares: South Asian, 0.012%; no homozygotes.

Submission:

Foundation for Research in Genetics and Endocrinology, FRIGE's Institute of Human Genetics
Classification: Uncertain significance for Diabetes mellitus type 1. Last evaluated: 2025-04-24. Review status: criteria provided, single submitter. Criteria: ACMG Guidelines, 2015. Collection method: clinical testing. Allele origin: germline. Inheritance: Autosomal recessive inheritance. Affected: yes. Observed: 1 compound heterozygote.
Comment: A heterozygous missense variant in exon 18 of the PTPN22 gene that results in an amino acid substitution of Isoleucine for Threonine at codon 728 was detected. The observed variant c.2183C>T (p.Thr728Ile) has not been reported in the 1000 genomes but has a MAF of 0.0006% in the gnomAD databases. The in-silico prediction of the variant is disease causing by MutationTaster2. In summary, the variant meets our criteria to be classified as the variant of uncertain significance.

NM_015967.8(PTPN22):c.2183C>T (p.Thr728Ile)

Genes: AP4B1-AS1 (AP4B1 antisense RNA 1; plus strand), PTPN22 (protein tyrosine phosphatase non-receptor type 22; minus strand). Cytogenetic location: 1p13.2.
Variant type: single nucleotide variant.
Coding change: c.2183C>T on transcript NM_015967.8 (MANE Select); coding-DNA position 2183, C replaced by T.
Protein change: p.Thr728Ile; replaces threonine 728 with isoleucine.
Molecular consequence: missense variant.
Genome position (GRCh38, 1-based): chr1:113,829,659, G>A on the plus strand (C>T on the coding strand, the complement: PTPN22 is on the minus strand). VCF-style: chr1-113829659-G-A. GRCh37 (hg19) VCF-style: chr1-114372281-G-A.
Other names: p.Thr728Ile; c.2099C>T, p.Thr700Ile (NM_001193431.3); c.2111C>T, p.Thr704Ile (NM_001308297.2); c.2018C>T, p.Thr673Ile (NM_012411.6); short protein forms T673I, T700I, T704I, T728I.
Identifiers: ClinVar variation 3893224 (VCV003893224.1).
Genomic context (GRCh38, chr1:113,829,659, plus strand): 5'-CTTGTGAAACTTTTTCCAGGAGTCTTCAGTGTCTGTTTTGAAGATGTTGAATTTTCCATG[G>A]TGTCAGGATAGCTAGTAGAATATGTTTCTATAGATTGGGCCTGCATACCTTAAAAAAAAA-3'
Protein context (NP_057051.4, residues 718-738): IETYSTSYPD[Thr728Ile]MENSTSSKQT